The following is an entry in ClinVar:

ClinVar aggregate classification (germline): Pathogenic (1 of 4 stars; one submission).

Conditions:
Neurofibromatosis, type 1 (NF1). Also called: NEUROFIBROMATOSIS, TYPE I, SOMATIC; VON RECKLINGHAUSEN DISEASE; Peripheral type neurofibromatosis; Neurofibromatosis, type I. Identifiers: Orphanet 636, MedGen C0027831, MONDO:0018975, OMIM 162200. Disease mechanism: loss of function.

Submission:

Labcorp Genetics (formerly Invitae), Labcorp
Classification: Pathogenic for Neurofibromatosis, type 1. Last evaluated: 2025-05-27. Review status: criteria provided, single submitter. Criteria: Invitae Variant Classification Sherloc (09022015). Collection method: clinical testing. Allele origin: germline.
Comment: This sequence change creates a premature translational stop signal (p.Leu1486Thrfs*19) in the NF1 gene. It is expected to result in an absent or disrupted protein product. Loss-of-function variants in NF1 are known to be pathogenic (PMID: 10712197, 23913538). This variant is not present in population databases (gnomAD no frequency). This variant has not been reported in the literature in individuals affected with NF1-related conditions. For these reasons, this variant has been classified as Pathogenic.

Literature cited by the submitters: PubMed 10712197; PubMed 23913538.

NM_001042492.3(NF1):c.4519_4529del (p.Leu1507fs)

Gene: NF1 (neurofibromin 1; plus strand). Cytogenetic location: 17q11.2.
Variant type: Deletion.
Coding change: c.4519_4529del on transcript NM_001042492.3 (MANE Select); coding-DNA positions 4519 to 4529, 11 bases deleted (TTACATCGTCT).
Protein change: p.Leu1507fs; shifts the reading frame from leucine 1507.
Molecular consequence: frameshift variant.
Genome position (GRCh38, 1-based): chr17:31,260,457-31,260,467, TTACATCGTCT deleted; deleting any 11 consecutive bases within chr17:31,260,455-31,260,467 gives the same sequence; the c. name uses the placement nearest the transcript's 3' end. VCF-style (leftmost placement, unchanged base first): chr17-31260454-GCTTTACATCGT-G. GRCh37 (hg19) VCF-style: chr17-29587472-GCTTTACATCGT-G.
Other names: c.4456_4466del, p.Leu1486fs (NM_000267.4); short protein forms L1486fs, L1507fs.
Identifiers: ClinVar variation 4720381 (VCV004720381.1).